The following is an entry in ClinVar:

ClinVar aggregate classification (germline): Likely benign. Review status: criteria provided, multiple submitters, no conflicts (2 of 4 stars). 3 submissions from 3 submitters: Likely benign (3). Last evaluated 2025-09-25.

Conditions:
Charcot-Marie-Tooth disease type 4. Also called: Charcot-Marie-Tooth disease, type IV; Charcot-Marie-Tooth, Type 4. Identifiers: Orphanet 64749, MedGen C4082197, MONDO:0018995.
Inborn genetic diseases. Identifiers: MedGen C0950123, MeSH D030342.

Allele frequency attached by ClinVar (database versions not stated): gnomAD exomes below 0.00001; TOPMed below 0.00001; gnomAD 0.00001.

Submissions (3):

Ambry Genetics
Classification: Likely benign for Inborn genetic diseases. Last evaluated: 2025-09-25. Review status: criteria provided, single submitter. Criteria: Ambry Variant Classification Scheme 2023. Collection method: clinical testing. Allele origin: germline.

Labcorp Genetics (formerly Invitae), Labcorp
Classification: Likely benign for Charcot-Marie-Tooth disease type 4. Last evaluated: 2024-10-09. Review status: criteria provided, single submitter. Criteria: Invitae Variant Classification Sherloc (09022015). Collection method: clinical testing. Allele origin: germline.

GeneDx
Classification: Likely benign. Last evaluated: 2017-10-26. Review status: criteria provided, single submitter. Criteria: GeneDx Variant Classification (06012015). Collection method: clinical testing. Allele origin: germline. Affected: yes.
Comment: This variant is considered likely benign or benign based on one or more of the following criteria: it is a conservative change, it occurs at a poorly conserved position in the protein, it is predicted to be benign by multiple in silico algorithms, and/or has population frequency not consistent with disease.

NM_014845.6(FIG4):c.1812A>G (p.Lys604=)

Gene: FIG4 (FIG4 phosphoinositide 5-phosphatase; plus strand). Cytogenetic location: 6q21.
Variant type: single nucleotide variant.
Coding change: c.1812A>G on transcript NM_014845.6 (MANE Select); coding-DNA position 1812, A replaced by G.
Protein change: p.Lys604=; no amino-acid change (lysine 604 retained).
Molecular consequence: synonymous variant.
Genome position (GRCh38, 1-based): chr6:109,776,983, A>G. VCF-style: chr6-109776983-A-G. GRCh37 (hg19) VCF-style: chr6-110098186-A-G.
Identifiers: ClinVar variation 512891 (VCV000512891.12), dbSNP rs1399930708, ClinGen allele CA451755509.